The following is an entry in ClinVar:

NM_001365536.1(SCN9A):c.68T>A (p.Ile23Asn)

Gene: SCN9A (sodium voltage-gated channel alpha subunit 9; minus strand). Cytogenetic location: 2q24.3.
Variant type: single nucleotide variant.
Coding change: c.68T>A on transcript NM_001365536.1 (MANE Select); coding-DNA position 68, T replaced by A.
Protein change: p.Ile23Asn; replaces isoleucine 23 with asparagine.
Molecular consequence: missense variant.
Genome position (GRCh38, 1-based): chr2:166,311,689, A>T on the plus strand (T>A on the coding strand, the complement: SCN9A is on the minus strand). VCF-style: chr2-166311689-A-T. GRCh37 (hg19) VCF-style: chr2-167168199-A-T.
Other names: c.68T>A, p.Ile23Asn (NM_002977.4); short protein forms I23N.
Identifiers: ClinVar variation 649447 (VCV000649447.10), dbSNP rs1389373425, ClinGen allele CA349096181.
Genomic context (GRCh38, chr2:166,311,689, plus strand): 5'-TCATCATCTTTCTTTTCTTCTTTGGGTTCCTTTGATTTTCTTTCAGCAATGCGTTGTTCA[A>T]TGAGGGCAAGAGACTGTTTTGTGAAATGGACAAAGCTCTGAGGTCCTGGGGGAGGCAACA-3'
Protein context (NP_001352465.1, residues 13-33): VHFTKQSLAL[Ile23Asn]EQRIAERKSK

ClinVar aggregate classification (germline): Uncertain significance. Review status: criteria provided, multiple submitters, no conflicts (2 of 4 stars). 2 submissions from 2 submitters: Uncertain significance (2). Last evaluated 2025-10-17.

Conditions:
Inborn genetic diseases. Identifiers: MedGen C0950123, MeSH D030342.
Neuropathy, hereditary sensory and autonomic, type 2A (HSAN2A). Also called: WNK1-Related HSAN2 (HSAN2A); MORVAN DISEASE; NEUROPATHY, CONGENITAL SENSORY; NEUROPATHY, HEREDITARY SENSORY RADICULAR, AUTOSOMAL RECESSIVE; NEUROPATHY, HEREDITARY SENSORY, TYPE IIA; NEUROPATHY, PROGRESSIVE SENSORY, OF CHILDREN. Identifiers: Orphanet 970, MedGen C2752089, MONDO:0024309, OMIM 201300.
Generalized epilepsy with febrile seizures plus, type 7 (GEFSP7). Also called: GEFS+, TYPE 7. Identifiers: Orphanet 36387, MedGen C2751778, MONDO:0013470, OMIM 613863.

Allele frequency attached by ClinVar (database versions not stated): 1000 Genomes Project 30x 0.00031.
gnomAD v4.1: 14 of 1,613,176 alleles (0.00087%); highest among the groups gnomAD compares: South Asian, 0.0088%; no homozygotes.

Submissions (2):

Ambry Genetics
Classification: Uncertain significance for Inborn genetic diseases. Last evaluated: 2025-10-17. Review status: criteria provided, single submitter. Criteria: Ambry Variant Classification Scheme 2023. Collection method: clinical testing. Allele origin: germline.

Labcorp Genetics (formerly Invitae), Labcorp
Classification: Uncertain significance for Neuropathy, hereditary sensory and autonomic, type 2A; Generalized epilepsy with febrile seizures plus, type 7. Last evaluated: 2018-11-01. Review status: criteria provided, single submitter. Criteria: Invitae Variant Classification Sherloc (09022015). Collection method: clinical testing. Allele origin: germline.
Comment: This variant has not been reported in the literature in individuals with SCN9A-related disease. Algorithms developed to predict the effect of missense changes on protein structure and function are either unavailable or do not agree on the potential impact of this missense change (SIFT: "Deleterious"; PolyPhen-2: "Probably Damaging"; Align-GVGD: "Class C0"). In summary, the available evidence is currently insufficient to determine the role of this variant in disease. Therefore, it has been classified as a Variant of Uncertain Significance. This sequence change replaces isoleucine with asparagine at codon 23 of the SCN9A protein (p.Ile23Asn). The isoleucine residue is highly conserved and there is a large physicochemical difference between isoleucine and asparagine. This variant is not present in population databases (ExAC no frequency).